The following is an entry in ClinVar:

NM_001195263.2(PDZD7):c.402G>A (p.Thr134=)

Gene: PDZD7 (PDZ domain containing 7; minus strand). Cytogenetic location: 10q24.31.
Variant type: single nucleotide variant.
Coding change: c.402G>A on transcript NM_001195263.2 (MANE Select); coding-DNA position 402, G replaced by A.
Protein change: p.Thr134=; no amino-acid change (threonine 134 retained).
Molecular consequence: synonymous variant.
Genome position (GRCh38, 1-based): chr10:101,023,576, C>T on the plus strand (G>A on the coding strand, the complement: PDZD7 is on the minus strand). VCF-style: chr10-101023576-C-T. GRCh37 (hg19) VCF-style: chr10-102783333-C-T.
Other names: c.402G>A, p.Thr134= (NM_001351044.2, NM_024895.5); c.402G>A (NM_001195263.1).
Identifiers: ClinVar variation 3019662 (VCV003019662.4), dbSNP rs137945152, ClinGen allele CA5654393.

ClinVar aggregate classification (germline): Likely benign. Review status: criteria provided, multiple submitters, no conflicts (2 of 4 stars). 2 submissions from 2 submitters: Likely benign (2). Last evaluated 2026-06-24.

Conditions:
PDZD7-related disorder. Also called: PDZD7-related condition; PDZD7-related disorders.

Allele frequency attached by ClinVar (database versions not stated): ExAC 0.00001; TOPMed 0.00001; gnomAD exomes 0.00002; ESP Exome Variant Server 0.00008.
gnomAD v4.1: 27 of 1,613,628 alleles (0.0017%); highest among the groups gnomAD compares: Admixed American, 0.0033%; no homozygotes.

Submissions (2):

PreventionGenetics, part of Exact Sciences
Classification: Likely benign for PDZD7-related condition. Last evaluated: 2026-06-24. Review status: criteria provided, single submitter. Criteria: ACMG Guidelines, 2015. Collection method: clinical testing. Allele origin: germline.
Comment: This variant is classified as likely benign based on ACMG/AMP sequence variant interpretation guidelines (Richards et al. 2015 PMID: 25741868, with internal and published modifications).

Labcorp Genetics (formerly Invitae), Labcorp
Classification: Likely benign. Last evaluated: 2025-11-02. Review status: criteria provided, single submitter. Criteria: Invitae Variant Classification Sherloc (09022015). Collection method: clinical testing. Allele origin: germline.